The following is an entry in ClinVar:

NM_000051.4(ATM):c.2442C>A (p.Asp814Glu)

Gene: ATM (ATM serine/threonine kinase; plus strand). Cytogenetic location: 11q22.3.
Variant type: single nucleotide variant.
Coding change: c.2442C>A on transcript NM_000051.4 (MANE Select); coding-DNA position 2442, C replaced by A.
Protein change: p.Asp814Glu; replaces aspartic acid 814 with glutamic acid.
Molecular consequence: missense variant.
Genome position (GRCh38, 1-based): chr11:108,259,051, C>A. VCF-style: chr11-108259051-C-A. GRCh37 (hg19) VCF-style: chr11-108129778-C-A.
Other names: p.D814E:GAC>GAA; NP_000042.3:p.Asp814Glu; c.2442C>A, p.Asp814Glu (NM_001351834.2); short protein forms D814E.
Identifiers: ClinVar variation 133607 (VCV000133607.71), dbSNP rs3218695, ClinGen allele CA157076.

ClinVar aggregate classification (germline): Benign. Review status: criteria provided, multiple submitters, no conflicts (2 of 4 stars). 27 submissions from 27 submitters: Benign (20). 7 of the submissions do not count toward it. Last evaluated 2026-10-01.

Conditions:
Breast and/or ovarian cancer. Identifiers: MedGen CN221562.
Hereditary cancer-predisposing syndrome. Also called: Neoplastic Syndromes, Hereditary; Tumor predisposition; Hereditary neoplastic syndrome; Hereditary Cancer Syndrome. Identifiers: Orphanet 140162, MedGen C0027672, MeSH D009386, MONDO:0015356.
Ataxia-telangiectasia syndrome (AT). Also called: Ataxia-telangiectasia, complementation group D; AT, COMPLEMENTATION GROUP C; Ataxia telangiectasia (A-T); LOUIS-BAR SYNDROME; Cerebello-oculocutaneous telangiectasia; Immunodeficiency with ataxia telangiectasia. Identifiers: Orphanet 100, MedGen C0004135, MONDO:0008840, OMIM 208900.
Familial cancer of breast. Also called: Hereditary breast cancer; hereditary breast carcinoma; BREAST CANCER, FAMILIAL. Identifiers: Orphanet 227535, MedGen C0346153, MONDO:0016419, OMIM 114480. Disease mechanism: loss of function.
Hereditary breast ovarian cancer syndrome. Also called: Breast and ovarian cancer; BRCA1- and BRCA2-Associated Hereditary Breast and Ovarian Cancer; Hereditary breast and/or ovarian cancer syndrome; Hereditary breast and ovarian cancer syndrome; Hereditary breast and ovarian cancer; Hereditary breast and ovarian cancer syndrome (HBOC). Identifiers: Orphanet 145, MedGen C0677776, MeSH D061325, MONDO:0003582. Disease mechanism: loss of function.
Malignant tumor of breast. Also called: Malignant breast neoplasm; Cancer breast. Identifiers: MedGen C0006142, MONDO:0007254. Disease mechanism: loss of function.

Allele frequency attached by ClinVar (database versions not stated): ESP Exome Variant Server 0.00677; TOPMed 0.00726; 1000 Genomes Project 0.01038; 1000 Genomes Project 30x 0.01077.
gnomAD v4.1: 2,209 of 1,613,514 alleles (0.14%); highest among the groups gnomAD compares: African/African-American, 2.4%; 28 homozygotes.

Submissions 1 to 24 of 27:

CeGaT Center for Human Genetics Tuebingen
Classification: Benign. Last evaluated: 2026-10-01. Review status: criteria provided, single submitter. Criteria: CeGaT Center For Human Genetics Tuebingen Variant Classification Criteria Version 2. Collection method: clinical testing. Allele origin: germline. Affected: yes. Observed: 10 variant alleles.
Comment: ATM: BS1, BS2

Labcorp Genetics (formerly Invitae), Labcorp
Classification: Benign for Ataxia-telangiectasia syndrome. Last evaluated: 2026-02-04. Review status: criteria provided, single submitter. Criteria: Invitae Variant Classification Sherloc (09022015). Collection method: clinical testing. Allele origin: germline.

Mayo Clinic Laboratories, Mayo Clinic
Classification: Benign. Last evaluated: 2025-08-18. Review status: criteria provided, single submitter. Criteria: ACMG Guidelines, 2015. Collection method: clinical testing. Allele origin: germline. Observed: 11 variant alleles.
Comment: BA1

ARUP Laboratories, Molecular Genetics and Genomics, ARUP Laboratories
Classification: Benign. Last evaluated: 2025-03-27. Review status: criteria provided, single submitter. Criteria: ARUP Molecular Germline Variant Investigation Process 2024. Collection method: clinical testing. Allele origin: germline.

Center for Genomic Medicine, Rigshospitalet, Copenhagen University Hospital
Classification: Benign. Last evaluated: 2025-03-04. Review status: criteria provided, single submitter. Criteria: ACMG Guidelines, 2015. Collection method: clinical testing. Allele origin: germline.

Athena Diagnostics
Classification: Benign. Last evaluated: 2024-10-29. Review status: criteria provided, single submitter. Criteria: Athena Diagnostics Criteria. Collection method: clinical testing. Allele origin: unknown.

Myriad Genetics, Inc.
Classification: Benign for Familial cancer of breast. Last evaluated: 2024-05-08. Review status: criteria provided, single submitter. Criteria: Myriad Autosomal Dominant, Autosomal Recessive and X-Linked Classification Criteria (2023). Collection method: clinical testing. Allele origin: unknown.
Comment: This variant is considered benign. This variant has been observed at a population frequency that is significantly greater than expected given the associated disease prevalence and penetrance.

KCCC/NGS Laboratory, Kuwait Cancer Control Center
Classification: Benign for Familial cancer of breast. Last evaluated: 2023-07-07. Review status: criteria provided, single submitter. Criteria: ACMG Guidelines, 2015. Collection method: clinical testing. Allele origin: germline. Affected: yes.

CHEO Genetics Diagnostic Laboratory, Children's Hospital of Eastern Ontario
Classification: Benign for Breast and/or ovarian cancer. Last evaluated: 2022-05-31. Review status: criteria provided, single submitter. Criteria: ACMG Guidelines, 2015. Collection method: clinical testing. Allele origin: germline.

National Health Laboratory Service, Universitas Academic Hospital and University of the Free State
Classification: Benign for Hereditary breast ovarian cancer syndrome. Last evaluated: 2022-04-19. Review status: criteria provided, single submitter. Criteria: ACMG Guidelines, 2015. Collection method: clinical testing. Allele origin: germline. Affected: yes. Observed: 20 variant alleles.

Fulgent Genetics
Classification: Benign for Familial cancer of breast; Ataxia-telangiectasia syndrome. Last evaluated: 2021-07-26. Review status: criteria provided, single submitter. Criteria: ACMG Guidelines, 2015. Collection method: clinical testing. Allele origin: unknown.

Color Diagnostics, LLC DBA Color Health
Classification: Benign for Hereditary cancer-predisposing syndrome. Last evaluated: 2020-11-30. Review status: criteria provided, single submitter. Criteria: ACMG Guidelines, 2015. Collection method: clinical testing. Allele origin: germline.

Quest Diagnostics Nichols Institute San Juan Capistrano
Classification: Benign. Last evaluated: 2020-10-15. Review status: criteria provided, single submitter. Criteria: Quest Diagnostics criteria. Collection method: clinical testing. Allele origin: unknown.

Sema4
Classification: Benign for Hereditary cancer-predisposing syndrome. Last evaluated: 2020-09-29. Review status: criteria provided, single submitter. Criteria: Sema4 Curation Guidelines. Collection method: curation. Allele origin: germline.

Illumina Laboratory Services, Illumina
Classification: Benign for Ataxia-telangiectasia syndrome. Last evaluated: 2017-04-27. Review status: criteria provided, single submitter. Criteria: ICSL Variant Classification Criteria 13 December 2019. Collection method: clinical testing. Allele origin: germline.
Comment: This variant was observed as part of a predisposition screen in an ostensibly healthy population. A literature search was performed for the gene, cDNA change, and amino acid change (where applicable). Publications were found based on this search. The evidence from the literature, in combination with allele frequency data from public databases where available, was sufficient to rule this variant out of causing disease. Therefore, this variant is classified as benign.

PreventionGenetics, part of Exact Sciences
Classification: Benign. Last evaluated: 2017-03-30. Review status: criteria provided, single submitter. Criteria: ACMG Guidelines, 2015. Collection method: clinical testing. Allele origin: germline.

Genome Diagnostics Laboratory, University Medical Center Utrecht
Classification: Benign for Ataxia-telangiectasia syndrome. Last evaluated: 2016-02-09. Review status: criteria provided, single submitter. Criteria: ACGS Guidelines, 2013. Collection method: clinical testing. Allele origin: germline. Affected: yes. Study: VKGL Data-share Consensus.

Ambry Genetics
Classification: Benign for Hereditary cancer-predisposing syndrome. Last evaluated: 2014-08-29. Review status: criteria provided, single submitter. Criteria: Ambry Variant Classification Scheme 2023. Collection method: clinical testing. Allele origin: germline.

GeneDx
Classification: Benign. Last evaluated: 2013-12-16. Review status: criteria provided, single submitter. Criteria: GeneDx Variant Classification (06012015). Collection method: clinical testing. Allele origin: germline. Affected: yes.
Comment: This variant is considered likely benign or benign based on one or more of the following criteria: it is a conservative change, it occurs at a poorly conserved position in the protein, it is predicted to be benign by multiple in silico algorithms, and/or has population frequency not consistent with disease.

Breakthrough Genomics
Classification: Benign. Review status: criteria provided, single submitter. Criteria: ACMG Guidelines, 2015. Collection method: not provided. Allele origin: germline. Inheritance: Autosomal recessive inheritance. Affected: yes.

Natera, Inc.
Classification: Benign for Ataxia-telangiectasia. Last evaluated: 2020-09-16. Review status: no assertion criteria provided. Collection method: clinical testing. Allele origin: germline. Not counted in ClinVar's aggregate classification.

Genome Diagnostics Laboratory, Amsterdam University Medical Center
Classification: Benign for Ataxia-telangiectasia syndrome. Last evaluated: 2017-03-24. Review status: no assertion criteria provided. Criteria: ACGS Guidelines, 2013. Collection method: clinical testing. Allele origin: germline. Affected: yes. Study: VKGL Data-share Consensus. Not counted in ClinVar's aggregate classification.

ITMI
No classification provided. Condition: AllHighlyPenetrant. Last evaluated: 2013-09-19. Review status: no classification provided. Collection method: reference population. Allele origin: germline. Not counted in ClinVar's aggregate classification.
Comment: Please see associated publication for description of ethnicities

Clinical Genetics Laboratory, Department of Pathology, Netherlands Cancer Institute
Classification: Benign. Review status: no assertion criteria provided. Collection method: clinical testing. Allele origin: germline. Affected: yes. Study: VKGL Data-share Consensus. Not counted in ClinVar's aggregate classification.